The following is an entry in ClinVar:

NM_000465.4(BARD1):c.2068_2070dup (p.Asn690dup)

Gene: BARD1 (BRCA1 associated RING domain 1; minus strand). Cytogenetic location: 2q35.
Variant type: Duplication.
Coding change: c.2068_2070dup on transcript NM_000465.4 (MANE Select); coding-DNA positions 2068 to 2070, 3 bases duplicated (AAC; older notation c.2068_2070dupAAC).
Protein change: p.Asn690dup; duplicates asparagine 690.
Molecular consequence: inframe insertion. On other transcripts: non-coding transcript variant (3).
Genome position (GRCh38, 1-based): chr2:214,728,940-214,728,942, GTT duplicated on the plus strand (AAC on the coding strand, the reverse complement: BARD1 is on the minus strand); duplicating any 3 consecutive bases within chr2:214,728,940-214,728,944 gives the same sequence; the c. name uses the placement nearest the transcript's 3' end. VCF-style (leftmost placement, unchanged base first): chr2-214728939-G-GGTT. GRCh37 (hg19) VCF-style: chr2-215593663-G-GGTT.
Other names: c.2011_2013dup, p.Asn671dup (NM_001282543.2); c.715_717dup, p.Asn239dup (NM_001282545.2); c.658_660dup, p.Asn220dup (NM_001282548.2); c.529_531dup, p.Asn177dup (NM_001282549.2).
Identifiers: ClinVar variation 934270 (VCV000934270.10), dbSNP rs1692224140, ClinGen allele CA1139657670.

ClinVar aggregate classification (germline): Uncertain significance (1 of 4 stars; one submission).

Conditions:
Familial cancer of breast. Also called: Hereditary breast cancer; hereditary breast carcinoma; BREAST CANCER, FAMILIAL. Identifiers: Orphanet 227535, MedGen C0346153, MONDO:0016419, OMIM 114480. Disease mechanism: loss of function.

Submission:

Labcorp Genetics (formerly Invitae), Labcorp
Classification: Uncertain significance for Familial cancer of breast. Last evaluated: 2019-10-09. Review status: criteria provided, single submitter. Criteria: Invitae Variant Classification Sherloc (09022015). Collection method: clinical testing. Allele origin: germline.
Comment: In summary, the available evidence is currently insufficient to determine the role of this variant in disease. Therefore, it has been classified as a Variant of Uncertain Significance. Experimental studies and prediction algorithms are not available or were not evaluated, and the functional significance of this variant is currently unknown. This variant has not been reported in the literature in individuals with BARD1-related conditions. This variant is not present in population databases (ExAC no frequency). This variant, c.2068_2070dup, results in the insertion of 1 amino acid(s) to the BARD1 protein (p.Asn690dup), but otherwise preserves the integrity of the reading frame.